The following is an entry in ClinVar:

NM_000785.4(CYP27B1):c.373G>A (p.Gly125Arg)

Gene: CYP27B1 (cytochrome P450 family 27 subfamily B member 1; minus strand). Cytogenetic location: 12q14.1.
Variant type: single nucleotide variant.
Coding change: c.373G>A on transcript NM_000785.4 (MANE Select); coding-DNA position 373, G replaced by A.
Protein change: p.Gly125Arg; replaces glycine 125 with arginine.
Molecular consequence: missense variant.
Genome position (GRCh38, 1-based): chr12:57,766,020, C>T on the plus strand (G>A on the coding strand, the complement: CYP27B1 is on the minus strand). VCF-style: chr12-57766020-C-T. GRCh37 (hg19) VCF-style: chr12-58159803-C-T.
Other names: short protein forms G125R.
Identifiers: ClinVar variation 432037 (VCV000432037.2), dbSNP rs1555202494, ClinGen allele CA385507606.

ClinVar aggregate classification (germline): Likely pathogenic (1 of 4 stars; one submission).

Allele frequency attached by ClinVar (database versions not stated): gnomAD 0.00001.

Submission:

GeneDx
Classification: Likely pathogenic. Last evaluated: 2016-05-19. Review status: criteria provided, single submitter. Criteria: GeneDx Variant Classification (06012015). Collection method: clinical testing. Allele origin: germline. Affected: yes.
Comment: To our knowledge, the G125R variant has not been published as a pathogenic variant, nor has it been reported as a benign variant. It was not observed in approximately 6,100 individuals of European and African American ancestry in the NHLBI Exome Sequencing Project, indicating it is not a common benign variant in these populations. G125R is a non-conservative amino acid substitution, which is likely to impact secondary protein structure as these residues differ in polarity, charge, size and/or other properties. This substitution occurs at a position that is conserved across species. Functional studies of the variants at the same residue (G125E/A/V) have shown that it results in insignificant activity of 1a-hydroxylase (Sawada et al., 2001). Furthermore, in silico analysis predicts the G125R variant is probably damaging to the protein structure/function. Additionally, the G125E variant at the same residue has been reported in the Human Gene Mutation Database in association with pseudovitamin D-deficiency rickets (Stenson et al., 2014), supporting the functional importance of this region of the protein. Therefore, this variant is likely pathogenic; however, the possibility that it is benign cannot be excluded.